The following is an entry in ClinVar:

NM_001283009.2(RTEL1):c.163A>T (p.Thr55Ser)

Genes: RTEL1 (regulator of telomere elongation helicase 1; plus strand), RTEL1-TNFRSF6B (RTEL1-TNFRSF6B readthrough (NMD candidate); plus strand). Cytogenetic location: 20q13.33.
Variant type: single nucleotide variant.
Coding change: c.163A>T on transcript NM_001283009.2 (MANE Select); coding-DNA position 163, A replaced by T.
Protein change: p.Thr55Ser; replaces threonine 55 with serine.
Molecular consequence: missense variant. On other transcripts: non-coding transcript variant (1), 5 prime UTR variant (1).
Genome position (GRCh38, 1-based): chr20:63,661,358, A>T. VCF-style: chr20-63661358-A-T. GRCh37 (hg19) VCF-style: chr20-62292711-A-T.
Other names: c.-507A>T (NM_001283010.1); c.163A>T, p.Thr55Ser (NM_016434.4, NM_032957.5); short protein forms T55S.
Identifiers: ClinVar variation 1800632 (VCV001800632.4), dbSNP rs749033086, ClinGen allele CA317497731.

ClinVar aggregate classification (germline): Uncertain significance. Review status: criteria provided, multiple submitters, no conflicts (2 of 4 stars). 2 submissions from 2 submitters: Uncertain significance (2). Last evaluated 2024-11-30.

Conditions:
Dyskeratosis congenita, autosomal recessive 5 (DKCB5). Identifiers: MedGen C3554656, MONDO:0014076, OMIM 615190.
Pulmonary fibrosis and/or bone marrow failure, Telomere-related, 3. Also called: PULMONARY FIBROSIS AND/OR BONE MARROW FAILURE SYNDROME, TELOMERE-RELATED, 3. Identifiers: Orphanet 2032, MedGen C4225346, MONDO:0014613, OMIM 616373.

Allele frequency attached by ClinVar (database versions not stated): gnomAD exomes 0.00002.
gnomAD v4.1: 23 of 1,613,468 alleles (0.0014%); highest among the groups gnomAD compares: Non-Finnish European, 0.0019%; no homozygotes.

Submissions (2):

Labcorp Genetics (formerly Invitae), Labcorp
Classification: Uncertain significance for Dyskeratosis congenita, autosomal recessive 5; Pulmonary fibrosis and/or bone marrow failure, Telomere-related, 3. Last evaluated: 2024-11-30. Review status: criteria provided, single submitter. Criteria: Invitae Variant Classification Sherloc (09022015). Collection method: clinical testing. Allele origin: germline.
Comment: This sequence change replaces threonine, which is neutral and polar, with serine, which is neutral and polar, at codon 55 of the RTEL1 protein (p.Thr55Ser). The frequency data for this variant in the population databases is considered unreliable, as metrics indicate poor data quality at this position in the gnomAD database. This missense change has been observed in individual(s) with clinical features consistent with RTEL1-related conditions (PMID: 29361909). ClinVar contains an entry for this variant (Variation ID: 1800632). An algorithm developed to predict the effect of missense changes on protein structure and function outputs the following: PolyPhen-2: "Benign". The serine amino acid residue is found in multiple mammalian species, which suggests that this missense change does not adversely affect protein function. In summary, the available evidence is currently insufficient to determine the role of this variant in disease. Therefore, it has been classified as a Variant of Uncertain Significance.

GeneDx
Classification: Uncertain significance. Last evaluated: 2022-05-20. Review status: criteria provided, single submitter. Criteria: GeneDx Variant Classification Process June 2021. Collection method: clinical testing. Allele origin: germline. Affected: yes.
Comment: Not observed at significant frequency in large population cohorts (gnomAD); In silico analysis supports that this missense variant does not alter protein structure/function; Has not been previously published as pathogenic or benign to our knowledge

Literature cited by the submitters: PubMed 29361909 (cited by Labcorp Genetics (formerly Invitae), Labcorp).